The following is an entry in ClinVar:

NM_025114.4(CEP290):c.2955G>A (p.Met985Ile)

Gene: CEP290 (centrosomal protein 290; minus strand). Cytogenetic location: 12q21.32.
Variant type: single nucleotide variant.
Coding change: c.2955G>A on transcript NM_025114.4 (MANE Select); coding-DNA position 2955, G replaced by A.
Protein change: p.Met985Ile; replaces methionine 985 with isoleucine.
Molecular consequence: missense variant.
Genome position (GRCh38, 1-based): chr12:88,102,874, C>T on the plus strand (G>A on the coding strand, the complement: CEP290 is on the minus strand). VCF-style: chr12-88102874-C-T. GRCh37 (hg19) VCF-style: chr12-88496651-C-T.
Other names: short protein forms M985I.
Identifiers: ClinVar variation 942796 (VCV000942796.8), dbSNP rs2037998320, ClinGen allele CA385969189.

ClinVar aggregate classification (germline): Uncertain significance. Review status: criteria provided, single submitter (1 of 4 stars). 2 submissions from 2 submitters: Uncertain significance (1). 1 of the submissions does not count toward it. Last evaluated 2021-09-01.

Conditions:
Meckel-Gruber syndrome. Also called: Dysencephalia splachnocystica; DYSENCEPHALIA SPLANCHNOCYSTICA; GRUBER SYNDROME. Identifiers: Orphanet 564, MedGen C0265215, MONDO:0018921.
Nephronophthisis. Also called: Juvenile Nephronophthisis. Identifiers: Orphanet 655, MedGen C0687120, MONDO:0019005, HP:0000090.
Joubert syndrome. Also called: Familial aplasia of the vermis; CEREBELLOPARENCHYMAL DISORDER IV; JOUBERT-BOLTSHAUSER SYNDROME. Identifiers: Orphanet 475, MedGen C5979921, MONDO:0018772.
CEP290-related disorder. Also called: CEP290-related condition; CEP290-related disorders. Identifiers: MedGen CN239314.

Allele frequency attached by ClinVar (database versions not stated): TOPMed below 0.00001; gnomAD exomes below 0.00001.
gnomAD v4.1: 1 of 1,610,460 alleles (0.000062%); highest among the groups gnomAD compares: Non-Finnish European, 0.000085%; no homozygotes.

Submissions (2):

Labcorp Genetics (formerly Invitae), Labcorp
Classification: Uncertain significance for Joubert syndrome; Meckel-Gruber syndrome; Nephronophthisis. Last evaluated: 2021-09-01. Review status: criteria provided, single submitter. Criteria: Invitae Variant Classification Sherloc (09022015). Collection method: clinical testing. Allele origin: germline.
Comment: This sequence change replaces methionine with isoleucine at codon 985 of the CEP290 protein (p.Met985Ile). The methionine residue is moderately conserved and there is a small physicochemical difference between methionine and isoleucine. This variant is not present in population databases (ExAC no frequency). This variant has not been reported in the literature in individuals affected with CEP290-related conditions. Algorithms developed to predict the effect of missense changes on protein structure and function (SIFT, PolyPhen-2, Align-GVGD) all suggest that this variant is likely to be tolerated. In summary, the available evidence is currently insufficient to determine the role of this variant in disease. Therefore, it has been classified as a Variant of Uncertain Significance.

PreventionGenetics, part of Exact Sciences
Classification: Uncertain significance for CEP290-related condition. Last evaluated: 2023-12-01. Review status: no assertion criteria provided. Collection method: clinical testing. Allele origin: germline. Not counted in ClinVar's aggregate classification.
Comment: The CEP290 c.2955G>A variant is predicted to result in the amino acid substitution p.Met985Ile. To our knowledge, this variant has not been reported in the literature or in a large population database, indicating this variant is rare. At this time, the clinical significance of this variant is uncertain due to the absence of conclusive functional and genetic evidence.